The following is an entry in ClinVar:

NM_024411.5(PDYN):c.*771T>C

Genes: PDYN-AS1 (PDYN antisense RNA 1; plus strand), PDYN (prodynorphin; minus strand). Cytogenetic location: 20p13.
Variant type: single nucleotide variant.
Coding change: c.*771T>C on transcript NM_024411.5 (MANE Select); 771 bases downstream of the stop codon, T replaced by C.
Molecular consequence: 3 prime UTR variant.
Genome position (GRCh38, 1-based): chr20:1,979,552, A>G on the plus strand (T>C on the coding strand, the complement: PDYN is on the minus strand). VCF-style: chr20-1979552-A-G. GRCh37 (hg19) VCF-style: chr20-1960198-A-G.
Other names: c.*771T>C (NM_001190892.1, NM_001190898.3, NM_001190899.2 and 1 more transcripts).
Identifiers: ClinVar variation 337819 (VCV000337819.6), dbSNP rs910079, ClinGen allele CA10649392.

ClinVar aggregate classification (germline): Benign. Review status: criteria provided, multiple submitters, no conflicts (2 of 4 stars). 2 submissions from 2 submitters: Benign (2). Last evaluated 2018-01-12.

Conditions:
Spinocerebellar ataxia type 23 (SCA23). Identifiers: Orphanet 101108, MedGen C1853250, MONDO:0012449, OMIM 610245.

Allele frequency attached by ClinVar (database versions not stated): gnomAD exomes 0.26667; TOPMed 0.37988; 1000 Genomes Project 30x 0.50812; 1000 Genomes Project 0.51378.
gnomAD v4.1: 56,397 of 152,130 alleles (37%); highest among the groups gnomAD compares: East Asian, 85%; 11,847 homozygotes.

Submissions (2):

Illumina Laboratory Services, Illumina
Classification: Benign for Spinocerebellar ataxia type 23. Last evaluated: 2018-01-12. Review status: criteria provided, single submitter. Criteria: ICSL Variant Classification Criteria 13 December 2019. Collection method: clinical testing. Allele origin: germline.
Comment: This variant was observed in the ICSL laboratory as part of a predisposition screen in an ostensibly healthy population. It had not been previously curated by ICSL or reported in the Human Gene Mutation Database (HGMD: prior to June 1st, 2018), and was therefore a candidate for classification through an automated scoring system. Utilizing variant allele frequency, disease prevalence and penetrance estimates, and inheritance mode, an automated score was calculated to assess if this variant is too frequent to cause the disease. Based on the score and internal cut-off values, a variant classified as benign is not then subjected to further curation. The score for this variant resulted in a classification of benign for this disease.

Breakthrough Genomics
Classification: Benign. Review status: criteria provided, single submitter. Criteria: ACMG Guidelines, 2015. Collection method: not provided. Allele origin: germline. Inheritance: Autosomal dominant inheritance. Affected: yes.